The following is an entry in ClinVar:

NM_003587.5(DHX16):c.1214G>C (p.Arg405Pro)

Gene: DHX16 (DEAH-box helicase 16; minus strand). Cytogenetic location: 6p21.33.
Variant type: single nucleotide variant.
Coding change: c.1214G>C on transcript NM_003587.5 (MANE Select); coding-DNA position 1214, G replaced by C.
Protein change: p.Arg405Pro; replaces arginine 405 with proline.
Molecular consequence: missense variant. On other transcripts: 5 prime UTR variant (1).
Genome position (GRCh38, 1-based): chr6:30,664,904, C>G on the plus strand (G>C on the coding strand, the complement: DHX16 is on the minus strand). VCF-style: chr6-30664904-C-G. GRCh37 (hg19) VCF-style: chr6-30632681-C-G.
Other names: c.1034G>C, p.Arg345Pro (NM_001164239.2); c.-906G>C (NM_001363515.2); short protein forms R345P, R405P.
Identifiers: ClinVar variation 4281890 (VCV004281890.1).

ClinVar aggregate classification (germline): Uncertain significance (1 of 4 stars; one submission).

Submission:

GeneDx
Classification: Uncertain significance. Last evaluated: 2025-04-11. Review status: criteria provided, single submitter. Criteria: GeneDx Variant Classification Process June 2021. Collection method: clinical testing. Allele origin: germline. Affected: yes.
Comment: Not observed at significant frequency in large population cohorts (gnomAD); In silico analysis supports that this missense variant has a deleterious effect on protein structure/function; Has not been previously published as pathogenic or benign to our knowledge